The following is an entry in ClinVar:

NM_024675.4(PALB2):c.2587-11_2587-10delinsAT

Gene: PALB2 (partner and localizer of BRCA2; minus strand). Cytogenetic location: 16p12.2.
Variant type: Indel.
Coding change: c.2587-11_2587-10delinsAT on transcript NM_024675.4 (MANE Select); 11 bases into the intron before coding-DNA position 2587 through 10 bases into the intron before coding-DNA position 2587, CA replaced by AT.
Molecular consequence: intron variant.
Genome position (GRCh38, 1-based): chr16:23,626,407-23,626,408, TG replaced by AT on the plus strand (CA replaced by AT on the coding strand, the reverse complement: PALB2 is on the minus strand). VCF-style: chr16-23626407-TG-AT. GRCh37 (hg19) VCF-style: chr16-23637728-TG-AT.
Identifiers: ClinVar variation 1540146 (VCV001540146.10), dbSNP rs2142356910, ClinGen allele CA2573152191.

ClinVar aggregate classification (germline): Likely benign. Review status: criteria provided, multiple submitters, no conflicts (2 of 4 stars). 2 submissions from 2 submitters: Likely benign (2). Last evaluated 2025-12-01.

Conditions:
Familial cancer of breast. Also called: hereditary breast carcinoma; BREAST CANCER, FAMILIAL; Hereditary breast cancer. Identifiers: Orphanet 227535, MedGen C0346153, MONDO:0016419, OMIM 114480. Disease mechanism: loss of function.

Submissions (2):

Labcorp Genetics (formerly Invitae), Labcorp
Classification: Likely benign for Familial cancer of breast. Last evaluated: 2025-12-01. Review status: criteria provided, single submitter. Criteria: Invitae Variant Classification Sherloc (09022015). Collection method: clinical testing. Allele origin: germline.

Myriad Genetics, Inc.
Classification: Likely benign for Familial cancer of breast. Last evaluated: 2025-01-16. Review status: criteria provided, single submitter. Criteria: Myriad Autosomal Dominant, Autosomal Recessive and X-Linked Classification Criteria (2023). Collection method: clinical testing. Allele origin: unknown.
Comment: This variant is considered likely benign. This variant is intronic and is not expected to impact mRNA splicing.